The following is an entry in ClinVar:

ClinVar aggregate classification (germline): Likely benign. Review status: criteria provided, multiple submitters, no conflicts (2 of 4 stars). 2 submissions from 2 submitters: Likely benign (2). Last evaluated 2025-12-01.

gnomAD v4.1: 11 of 1,613,868 alleles (0.00068%); highest among the groups gnomAD compares: Admixed American, 0.0033%; no homozygotes.

Submissions (2):

CeGaT Center for Human Genetics Tuebingen
Classification: Likely benign. Last evaluated: 2025-12-01. Review status: criteria provided, single submitter. Criteria: CeGaT Center For Human Genetics Tuebingen Variant Classification Criteria Version 2. Collection method: clinical testing. Allele origin: germline. Affected: yes. Observed: 1 variant allele.
Comment: ITPR1: BP4, BP7

Labcorp Genetics (formerly Invitae), Labcorp
Classification: Likely benign. Last evaluated: 2025-10-29. Review status: criteria provided, single submitter. Criteria: Invitae Variant Classification Sherloc (09022015). Collection method: clinical testing. Allele origin: germline.

NM_001378452.1(ITPR1):c.5904C>T (p.Ser1968=)

Gene: ITPR1 (inositol 1,4,5-trisphosphate receptor type 1; plus strand). Cytogenetic location: 3p26.1.
Variant type: single nucleotide variant.
Coding change: c.5904C>T on transcript NM_001378452.1 (MANE Select); coding-DNA position 5904, C replaced by T.
Protein change: p.Ser1968=; no amino-acid change (serine 1968 retained).
Molecular consequence: synonymous variant.
Genome position (GRCh38, 1-based): chr3:4,768,689, C>T. VCF-style: chr3-4768689-C-T. GRCh37 (hg19) VCF-style: chr3-4810373-C-T.
Other names: c.5760C>T, p.Ser1920= (NM_001099952.4); c.5859C>T, p.Ser1953= (NM_001168272.2); c.5715C>T, p.Ser1905= (NM_002222.7).
Identifiers: ClinVar variation 3611660 (VCV003611660.7).